The following is an entry in ClinVar:

NM_001267550.2(TTN):c.80906T>G (p.Val26969Gly)

Genes: TTN-AS1 (TTN antisense RNA 1; plus strand), TTN (titin; minus strand). Cytogenetic location: 2q31.2.
Variant type: single nucleotide variant.
Coding change: c.80906T>G on transcript NM_001267550.2 (MANE Select); coding-DNA position 80906, T replaced by G.
Protein change: p.Val26969Gly; replaces valine 26969 with glycine.
Molecular consequence: missense variant.
Genome position (GRCh38, 1-based): chr2:178,565,226, A>C on the plus strand (T>G on the coding strand, the complement: TTN is on the minus strand). VCF-style: chr2-178565226-A-C. GRCh37 (hg19) VCF-style: chr2-179429953-A-C.
Other names: c.75983T>G, p.Val25328Gly (NM_001256850.1); c.53711T>G, p.Val17904Gly (NM_003319.4); c.73202T>G, p.Val24401Gly (NM_133378.4); c.54086T>G, p.Val18029Gly (NM_133432.3); c.54287T>G, p.Val18096Gly (NM_133437.4); short protein forms V24401G, V25328G, V26969G, V18029G, V18096G, V17904G.
Identifiers: ClinVar variation 1029095 (VCV001029095.1), dbSNP rs1705274718, ClinGen allele CA349585264.

ClinVar aggregate classification (germline): Uncertain significance (1 of 4 stars; one submission).

Conditions:
Dilated cardiomyopathy 1G (CMD1G). Identifiers: Orphanet 154, MedGen C1858763, MONDO:0011400, OMIM 604145.

Submission:

Baylor Genetics
Classification: Uncertain significance for Dilated cardiomyopathy 1G. Last evaluated: 2019-10-30. Review status: criteria provided, single submitter. Criteria: ACMG Guidelines, 2015. Collection method: clinical testing. Allele origin: unknown. Affected: yes.
Comment: This variant was determined to be of uncertain significance according to ACMG Guidelines, 2015 [PMID:25741868].